The following is an entry in ClinVar:

NM_004360.5(CDH1):c.-22C>A

Genes: CDH1 (cadherin 1; plus strand), LOC130059290 (ATAC-STARR-seq lymphoblastoid silent region 7650; plus strand). Cytogenetic location: 16q22.1.
Variant type: single nucleotide variant.
Coding change: c.-22C>A on transcript NM_004360.5 (MANE Select); 22 bases upstream of the start codon, C replaced by A.
Molecular consequence: 5 prime UTR variant.
Genome position (GRCh38, 1-based): chr16:68,737,394, C>A. VCF-style: chr16-68737394-C-A. GRCh37 (hg19) VCF-style: chr16-68771297-C-A.
Other names: c.-22C>A (LRG_301t1, NM_001317184.2); c.-1637C>A (NM_001317185.2); c.-1841C>A (NM_001317186.2).
Identifiers: ClinVar variation 182388 (VCV000182388.1), dbSNP rs730881659, ClinGen allele CA298961.

ClinVar aggregate classification (germline): Likely benign (1 of 4 stars; one submission).

Allele frequency attached by ClinVar (database versions not stated): gnomAD exomes 0.00001.
gnomAD v4.1: 2 of 1,530,048 alleles (0.00013%); highest among the groups gnomAD compares: Non-Finnish European, 0.00017%; no homozygotes.

Submission:

GeneDx
Classification: Likely benign. Last evaluated: 2017-04-10. Review status: criteria provided, single submitter. Criteria: GeneDx Variant Classification (06012015). Collection method: clinical testing. Allele origin: germline. Affected: yes.
Comment: This variant is considered likely benign or benign based on one or more of the following criteria: it is a conservative change, it occurs at a poorly conserved position in the protein, it is predicted to be benign by multiple in silico algorithms, and/or has population frequency not consistent with disease.